The following is an entry in ClinVar:

NM_000088.4(COL1A1):c.2029-5T>C

Gene: COL1A1 (collagen type I alpha 1 chain; minus strand). Cytogenetic location: 17q21.33.
Variant type: single nucleotide variant.
Coding change: c.2029-5T>C on transcript NM_000088.4 (MANE Select); 5 bases into the intron before coding-DNA position 2029, T replaced by C.
Molecular consequence: intron variant.
Genome position (GRCh38, 1-based): chr17:50,191,891, A>G on the plus strand (T>C on the coding strand, the complement: COL1A1 is on the minus strand). VCF-style: chr17-50191891-A-G. GRCh37 (hg19) VCF-style: chr17-48269252-A-G.
Identifiers: ClinVar variation 1784705 (VCV001784705.3), dbSNP rs1598292597, ClinGen allele CA2580094372.

ClinVar aggregate classification (germline): Uncertain significance (1 of 4 stars; one submission).

Conditions:
Cardiovascular phenotype. Identifiers: MedGen CN230736.

Submission:

Ambry Genetics
Classification: Uncertain significance for Cardiovascular phenotype. Last evaluated: 2026-08-27. Review status: criteria provided, single submitter. Criteria: Ambry Variant Classification Scheme 2023. Collection method: clinical testing. Allele origin: germline.
Comment: The c.2029-5T>C intronic variant results from a T to C substitution 5 nucleotides upstream from coding exon 31 in the COL1A1 gene. This nucleotide position is well conserved in available vertebrate species. In silico splice site analysis predicts that this alteration will not have any significant effect on splicing. Based on the available evidence, the clinical significance of this variant remains unclear.